The following is an entry in ClinVar:

ClinVar aggregate classification (germline): Uncertain significance (1 of 4 stars; one submission).

Conditions:
Cardiovascular phenotype. Identifiers: MedGen CN230736.
Hereditary cancer-predisposing syndrome. Also called: Tumor predisposition; Neoplastic Syndromes, Hereditary; Hereditary Cancer Syndrome; Hereditary neoplastic syndrome. Identifiers: Orphanet 140162, MedGen C0027672, MeSH D009386, MONDO:0015356.

Submission:

Ambry Genetics
Classification: Uncertain significance for Cardiovascular phenotype; Hereditary cancer-predisposing syndrome. Last evaluated: 2024-12-20. Review status: criteria provided, single submitter. Criteria: Ambry Variant Classification Scheme 2023. Collection method: clinical testing. Allele origin: germline.
Comment: The p.L475F variant (also known as c.1423C>T), located in coding exon 13 of the NF1 gene, results from a C to T substitution at nucleotide position 1423. The leucine at codon 475 is replaced by phenylalanine, an amino acid with highly similar properties. This amino acid position is conserved. In addition, this alteration is predicted to be tolerated by in silico analysis. Based on the available evidence, the clinical significance of this variant remains unclear.

NM_001042492.3(NF1):c.1423C>T (p.Leu475Phe)

Gene: NF1 (neurofibromin 1; plus strand). Cytogenetic location: 17q11.2.
Variant type: single nucleotide variant.
Coding change: c.1423C>T on transcript NM_001042492.3 (MANE Select); coding-DNA position 1423, C replaced by T.
Protein change: p.Leu475Phe; replaces leucine 475 with phenylalanine.
Molecular consequence: missense variant.
Genome position (GRCh38, 1-based): chr17:31,214,481, C>T. VCF-style: chr17-31214481-C-T. GRCh37 (hg19) VCF-style: chr17-29541499-C-T.
Other names: c.1423C>T, p.Leu475Phe (NM_000267.4, NM_001128147.3); short protein forms L475F.
Identifiers: ClinVar variation 3879011 (VCV003879011.1).